The following is an entry in ClinVar:

ClinVar aggregate classification (germline): Uncertain significance (1 of 4 stars; one submission).

Submission:

Labcorp Genetics (formerly Invitae), Labcorp
Classification: Uncertain significance. Last evaluated: 2023-10-24. Review status: criteria provided, single submitter. Criteria: Invitae Variant Classification Sherloc (09022015). Collection method: clinical testing. Allele origin: unknown.
Comment: A copy number gain of the genomic region encompassing the full coding sequence of the SCN3A gene has been identified. The boundaries of this event are unknown as they extend beyond the assayed region for this gene and therefore may encompass additional genes. As the precise location of this event is unknown, it may be in tandem or it may be located elsewhere in the genome. This variant has not been reported in the literature in individuals affected with SCN3A-related conditions. In summary, the available evidence is currently insufficient to determine the role of this variant in disease. Therefore, it has been classified as a Variant of Uncertain Significance.

NC_000002.11:g.(?_165946660)_(166032904_?)dup

Gene: SCN3A (sodium voltage-gated channel alpha subunit 3; minus strand). Cytogenetic location: 2q24.3.
Variant type: Duplication.
Identifiers: ClinVar variation 3247539 (VCV003247539.1).